The following is an entry in ClinVar:

ClinVar aggregate classification (germline): Benign. Review status: criteria provided, multiple submitters, no conflicts (2 of 4 stars). 3 submissions from 3 submitters: Benign (2). 1 of the submissions does not count toward it. Last evaluated 2025-10-23.

Conditions:
KREMEN1-related disorder. Also called: KREMEN1-related condition.

Allele frequency attached by ClinVar (database versions not stated): gnomAD exomes 0.00195 and 0.00096; ESP Exome Variant Server 0.00649; gnomAD 0.00700 and 0.00737; 1000 Genomes Project 30x 0.00796; ExAC 0.00215; TOPMed 0.00799; 1000 Genomes Project 0.00719.
gnomAD v4.1: 2,507 of 1,613,836 alleles (0.16%); highest among the groups gnomAD compares: African/African-American, 2.4%; 25 homozygotes.

Submissions (3):

Labcorp Genetics (formerly Invitae), Labcorp
Classification: Benign. Last evaluated: 2025-10-23. Review status: criteria provided, single submitter. Criteria: Invitae Variant Classification Sherloc (09022015). Collection method: clinical testing. Allele origin: germline.

Breakthrough Genomics
Classification: Benign. Review status: criteria provided, single submitter. Criteria: ACMG Guidelines, 2015. Collection method: not provided. Allele origin: germline. Inheritance: Autosomal recessive inheritance. Affected: yes.

PreventionGenetics, part of Exact Sciences
Classification: Benign for KREMEN1-related condition. Last evaluated: 2024-08-23. Review status: no assertion criteria provided. Collection method: clinical testing. Allele origin: germline. Not counted in ClinVar's aggregate classification.
Comment: This variant is classified as benign based on ACMG/AMP sequence variant interpretation guidelines (Richards et al. 2015 PMID: 25741868, with internal and published modifications).

NM_001039570.3(KREMEN1):c.855C>T (p.His285=)

Gene: KREMEN1 (kringle containing transmembrane protein 1; plus strand). Cytogenetic location: 22q12.1.
Variant type: single nucleotide variant.
Coding change: c.855C>T on transcript NM_001039570.3 (MANE Select); coding-DNA position 855, C replaced by T.
Protein change: p.His285=; no amino-acid change (histidine 285 retained).
Molecular consequence: synonymous variant.
Genome position (GRCh38, 1-based): chr22:29,137,565, C>T. VCF-style: chr22-29137565-C-T. GRCh37 (hg19) VCF-style: chr22-29533553-C-T.
Other names: c.855C>T, p.His285= (NM_032045.5).
Identifiers: ClinVar variation 769478 (VCV000769478.11), dbSNP rs74467980, ClinGen allele CA10170104.